The following is an entry in ClinVar:

NM_080425.4(GNAS):c.1743C>G (p.Ser581=)

Gene: GNAS (GNAS complex locus; plus strand). Cytogenetic location: 20q13.32.
Variant type: single nucleotide variant.
Coding change: c.1743C>G on transcript NM_080425.4 (MANE Plus Clinical); coding-DNA position 1743, C replaced by G.
Protein change: p.Ser581=; no amino-acid change (serine 581 retained).
Molecular consequence: synonymous variant. On other transcripts: missense variant (2), intron variant (3).
Genome position (GRCh38, 1-based): chr20:58,855,008, C>G. VCF-style: chr20-58855008-C-G. GRCh37 (hg19) VCF-style: chr20-57430063-C-G.
Other names: c.1556C>G, p.Pro519Arg (NM_001077490.3, NM_001309883.1); c.1743C>G, p.Ser581= (NM_001410913.1); c.*42+14122C>G (NM_016592.5); c.43+14122C>G (NM_001410912.1); c.-39+13133C>G (NM_001309861.2); short protein forms P519R.
Identifiers: ClinVar variation 4990547 (VCV004990547.1).

ClinVar aggregate classification (germline): Uncertain significance (1 of 4 stars; one submission).

Conditions:
GNAS-related disorder. Identifiers: MedGen CN380105.

gnomAD v4.1: 7 of 1,612,644 alleles (0.00043%); highest among the groups gnomAD compares: Admixed American, 0.012%; no homozygotes.

Submission:

PreventionGenetics, part of Exact Sciences
Classification: Uncertain significance for GNAS-related condition. Last evaluated: 2026-06-26. Review status: criteria provided, single submitter. Criteria: ACMG Guidelines, 2015. Collection method: clinical testing. Allele origin: germline.
Comment: The GNAS c.1556C>G variant is predicted to result in the amino acid substitution p.Pro519Arg. To our knowledge, this variant has not been reported in the literature. In the NM_000516 transcript this variant corresponds to a precoding position (c.-36719C>G). This variant is reported in 0.0087% of alleles in individuals of Latino descent in gnomAD. At this time, the clinical significance of this variant is uncertain due to the absence of conclusive functional and genetic evidence.